The following is an entry in ClinVar:

ClinVar aggregate classification (germline): Likely benign. Review status: criteria provided, multiple submitters, no conflicts (2 of 4 stars). 2 submissions from 2 submitters: Likely benign (2). Last evaluated 2025-12-31.

Allele frequency attached by ClinVar (database versions not stated): ExAC 0.00003; gnomAD exomes 0.00003; gnomAD 0.00017 and 0.00019; TOPMed 0.00017; ESP Exome Variant Server 0.00023.
gnomAD v4.1: 42 of 1,554,048 alleles (0.0027%); highest among the groups gnomAD compares: African/African-American, 0.05%; no homozygotes.

Submissions (2):

Labcorp Genetics (formerly Invitae), Labcorp
Classification: Likely benign. Last evaluated: 2025-12-31. Review status: criteria provided, single submitter. Criteria: Invitae Variant Classification Sherloc (09022015). Collection method: clinical testing. Allele origin: germline.

GeneDx
Classification: Likely benign. Last evaluated: 2016-03-09. Review status: criteria provided, single submitter. Criteria: GeneDx Variant Classification (06012015). Collection method: clinical testing. Allele origin: germline. Affected: yes.
Comment: This variant is considered likely benign or benign based on one or more of the following criteria: it is a conservative change, it occurs at a poorly conserved position in the protein, it is predicted to be benign by multiple in silico algorithms, and/or has population frequency not consistent with disease.

NM_133259.4(LRPPRC):c.3365-16T>C

Gene: LRPPRC (leucine rich pentatricopeptide repeat containing; minus strand). Cytogenetic location: 2p21.
Variant type: single nucleotide variant.
Coding change: c.3365-16T>C on transcript NM_133259.4 (MANE Select); 16 bases into the intron before coding-DNA position 3365, T replaced by C.
Molecular consequence: intron variant.
Genome position (GRCh38, 1-based): chr2:43,901,540, A>G on the plus strand (T>C on the coding strand, the complement: LRPPRC is on the minus strand). VCF-style: chr2-43901540-A-G. GRCh37 (hg19) VCF-style: chr2-44128679-A-G.
Identifiers: ClinVar variation 384228 (VCV000384228.4), dbSNP rs377145600, ClinGen allele CA1638068.
Genomic context (GRCh38, chr2:43,901,540, plus strand): 5'-GGGTCTGCTGCTGATCCAATACTGTTTTCAGTGTTGTCACAGCCTCTAAAATACAAGAGC[A>G]GGAGATGGCTTTTCTTATATGACCTGTGCTGACTTTAATGCATTTTGAAAACCAGCTTTT-3'